The following is an entry in ClinVar:

ClinVar aggregate classification (germline): Uncertain significance (1 of 4 stars; one submission).

gnomAD v4.1: 1 of 1,607,838 alleles (0.000062%); no homozygotes.

Submission:

Dasa
Classification: Uncertain significance. Last evaluated: 2026-03-10. Review status: criteria provided, single submitter. Criteria: DASA Assertion Criteria. Collection method: clinical testing. Allele origin: germline.
Comment: NM_057175.5(NAA15):c.674C>A (p.Ala225Asp) is a missense variant that results in the substitution of alanine with aspartic acid. This variant is rare in population databases. The currently available literature and clinical evidence are not sufficient to establish a definitive association between this variant and the reported condition. Therefore, this variant is classified as a variant of uncertain significance.

NM_057175.5(NAA15):c.674C>A (p.Ala225Asp)

Gene: NAA15 (N-alpha-acetyltransferase 15, NatA auxiliary subunit; plus strand). Cytogenetic location: 4q31.1.
Variant type: single nucleotide variant.
Coding change: c.674C>A on transcript NM_057175.5 (MANE Select); coding-DNA position 674, C replaced by A.
Protein change: p.Ala225Asp; replaces alanine 225 with aspartic acid.
Molecular consequence: missense variant.
Genome position (GRCh38, 1-based): chr4:139,344,322, C>A. VCF-style: chr4-139344322-C-A. GRCh37 (hg19) VCF-style: chr4-140265476-C-A.
Other names: c.674C>A, p.Ala225Asp (NM_001410842.1); short protein forms A225D.
Identifiers: ClinVar variation 4880969 (VCV004880969.2).